The following is an entry in ClinVar:

ClinVar aggregate classification (germline): Uncertain significance (1 of 4 stars; one submission).

Conditions:
TBX1-related disorder. Also called: TBX1-related condition; TBX1-Related Disorders.

gnomAD v4.1: 6 of 1,613,794 alleles (0.00037%); highest among the groups gnomAD compares: East Asian, 0.013%; no homozygotes.

Submission:

PreventionGenetics, part of Exact Sciences
Classification: Uncertain significance for TBX1-related condition. Last evaluated: 2026-09-03. Review status: criteria provided, single submitter. Criteria: ACMG Guidelines, 2015. Collection method: clinical testing. Allele origin: germline.
Comment: The TBX1 c.1010G>A variant is predicted to result in the amino acid substitution p.Gly337Glu. To our knowledge, this variant has not been reported in the literature. This variant is reported in 0.0054% of alleles in individuals of East Asian descent in gnomAD. At this time, the clinical significance of this variant is uncertain due to the absence of conclusive functional and genetic evidence.

NM_005992.1(TBX1):c.1010G>A (p.Gly337Glu)

Gene: TBX1 (T-box transcription factor 1; plus strand). Cytogenetic location: 22q11.21.
Variant type: single nucleotide variant.
Coding change: c.1010G>A on transcript NM_005992.1; coding-DNA position 1010, G replaced by A.
Protein change: p.Gly337Glu; replaces glycine 337 with glutamic acid.
Molecular consequence: missense variant.
Genome position (GRCh38, 1-based): chr22:19,782,913, G>A. VCF-style: chr22-19782913-G-A. GRCh37 (hg19) VCF-style: chr22-19770436-G-A.
Other names: short protein forms G337E.
Identifiers: ClinVar variation 4985277 (VCV004985277.1).